The following is an entry in ClinVar:

ClinVar aggregate classification (germline): Pathogenic (1 of 4 stars; one submission).

Submission:

Labcorp Genetics (formerly Invitae), Labcorp
Classification: Pathogenic. Last evaluated: 2021-09-26. Review status: criteria provided, single submitter. Criteria: Invitae Variant Classification Sherloc (09022015). Collection method: clinical testing. Allele origin: germline.
Comment: For these reasons, this variant has been classified as Pathogenic. This variant has not been reported in the literature in individuals affected with ADGRV1-related conditions. This variant is not present in population databases (ExAC no frequency). This sequence change creates a premature translational stop signal (p.Phe2154Leufs*5) in the ADGRV1 gene. It is expected to result in an absent or disrupted protein product. Loss-of-function variants in ADGRV1 are known to be pathogenic (PMID: 19357117, 22135276, 22147658, 26226137, 26667666, 30029497, 32467589).

Literature cited by the submitters: PubMed 19357117; PubMed 22135276; PubMed 22147658; PubMed 26226137; PubMed 26667666; PubMed 30029497; PubMed 32467589.

NM_032119.4(ADGRV1):c.6462_6465del (p.Phe2154fs)

Gene: ADGRV1 (adhesion G protein-coupled receptor V1; plus strand). Cytogenetic location: 5q14.3.
Variant type: Deletion.
Coding change: c.6462_6465del on transcript NM_032119.4 (MANE Select); coding-DNA positions 6462 to 6465, 4 bases deleted (TAAA; older notation c.6462_6465delTAAA).
Protein change: p.Phe2154fs; shifts the reading frame from phenylalanine 2154.
Molecular consequence: frameshift variant. On other transcripts: non-coding transcript variant (1).
Genome position (GRCh38, 1-based): chr5:90,685,967-90,685,970, TAAA deleted. VCF-style (leftmost placement, unchanged base first): chr5-90685966-TTAAA-T. GRCh37 (hg19) VCF-style: chr5-89981783-TTAAA-T.
Other names: short protein forms F2154fs.
Identifiers: ClinVar variation 1382804 (VCV001382804.6), dbSNP rs2149595559, ClinGen allele CA2573139987.